The following is an entry in ClinVar:

NM_000038.6(APC):c.6665C>T (p.Pro2222Leu)

Gene: APC (APC regulator of Wnt signaling pathway; plus strand). Cytogenetic location: 5q22.2.
Variant type: single nucleotide variant.
Coding change: c.6665C>T on transcript NM_000038.6 (MANE Select); coding-DNA position 6665, C replaced by T.
Protein change: p.Pro2222Leu; replaces proline 2222 with leucine.
Molecular consequence: missense variant.
Genome position (GRCh38, 1-based): chr5:112,842,259, C>T. VCF-style: chr5-112842259-C-T. GRCh37 (hg19) VCF-style: chr5-112177956-C-T.
Other names: c.6665C>T, p.Pro2222Leu (NM_001127510.3, NM_001354895.2); c.6611C>T, p.Pro2204Leu (NM_001127511.3); c.6719C>T, p.Pro2240Leu (NM_001354896.2); c.6695C>T, p.Pro2232Leu (NM_001354897.2); c.6590C>T, p.Pro2197Leu (NM_001354898.2); c.6581C>T, p.Pro2194Leu (NM_001354899.2); c.6542C>T, p.Pro2181Leu (NM_001354900.2); c.6488C>T, p.Pro2163Leu (NM_001354901.2); and 5 more; short protein forms P2204L, P2222L, P2194L, P2240L, P2131L, P2181L, P1939L, P2121L.
Identifiers: ClinVar variation 421776 (VCV000421776.20), dbSNP rs367761032, ClinGen allele CA045686.

ClinVar aggregate classification (germline): Uncertain significance. Review status: criteria provided, multiple submitters, no conflicts (2 of 4 stars). 5 submissions from 5 submitters: Uncertain significance (5). Last evaluated 2026-01-18.

Conditions:
Familial adenomatous polyposis 1 (FAP1). Also called: FAMILIAL ADENOMATOUS POLYPOSIS 1, ATTENUATED; POLYPOSIS, ADENOMATOUS INTESTINAL. Identifiers: MedGen C2713442, MONDO:0021056, OMIM 175100. Disease mechanism: loss of function.
Hereditary cancer-predisposing syndrome. Also called: Hereditary neoplastic syndrome; Neoplastic Syndromes, Hereditary; Tumor predisposition; Hereditary Cancer Syndrome. Identifiers: Orphanet 140162, MedGen C0027672, MeSH D009386, MONDO:0015356.

Allele frequency attached by ClinVar (database versions not stated): gnomAD exomes below 0.00001; ExAC 0.00001; ESP Exome Variant Server 0.00008.
gnomAD v4.1: 9 of 1,613,992 alleles (0.00056%); highest among the groups gnomAD compares: Non-Finnish European, 0.00076%; no homozygotes.

Submissions (5):

Labcorp Genetics (formerly Invitae), Labcorp
Classification: Uncertain significance for Familial adenomatous polyposis 1. Last evaluated: 2026-01-18. Review status: criteria provided, single submitter. Criteria: Invitae Variant Classification Sherloc (09022015). Collection method: clinical testing. Allele origin: germline.
Comment: This sequence change replaces proline, which is neutral and non-polar, with leucine, which is neutral and non-polar, at codon 2222 of the APC protein (p.Pro2222Leu). This variant is present in population databases (rs367761032, gnomAD 0.0009%). This variant has not been reported in the literature in individuals affected with APC-related conditions. ClinVar contains an entry for this variant (Variation ID: 421776). Invitae Evidence Modeling of protein sequence and biophysical properties (such as structural, functional, and spatial information, amino acid conservation, physicochemical variation, residue mobility, and thermodynamic stability) indicates that this missense variant is not expected to disrupt APC protein function with a negative predictive value of 95%. In summary, the available evidence is currently insufficient to determine the role of this variant in disease. Therefore, it has been classified as a Variant of Uncertain Significance.

Molecular Pathology, Peter Maccallum Cancer Centre
Classification: Uncertain significance for Familial adenomatous polyposis 1. Last evaluated: 2024-04-17. Review status: criteria provided, single submitter. Criteria: ACMG Guidelines, 2015. Collection method: clinical testing. Allele origin: germline. Inheritance: Autosomal dominant inheritance.

Color Diagnostics, LLC DBA Color Health
Classification: Uncertain significance for Hereditary cancer-predisposing syndrome. Last evaluated: 2023-12-05. Review status: criteria provided, single submitter. Criteria: ACMG Guidelines, 2015. Collection method: clinical testing. Allele origin: germline.
Comment: This missense variant replaces proline with leucine at codon 2222 of the APC protein. Computational prediction tools and conservation analyses suggest that this variant may have deleterious impact on protein structure and function. Splice site prediction tools suggest that this variant may not impact RNA splicing. To our knowledge, functional studies have not been performed for this variant. This variant has not been reported in individuals affected with hereditary cancer in the literature. This variant has been identified in 1/249926 chromosomes in the general population by the Genome Aggregation Database (gnomAD). The available evidence is insufficient to determine the role of this variant in disease conclusively. Therefore, this variant is classified as a Variant of Uncertain Significance.

Ambry Genetics
Classification: Uncertain significance for Hereditary cancer-predisposing syndrome. Last evaluated: 2023-08-04. Review status: criteria provided, single submitter. Criteria: Ambry Variant Classification Scheme 2023. Collection method: clinical testing. Allele origin: germline.
Comment: The p.P2222L variant (also known as c.6665C>T), located in coding exon 15 of the APC gene, results from a C to T substitution at nucleotide position 6665. The proline at codon 2222 is replaced by leucine, an amino acid with similar properties. This amino acid position is highly conserved in available vertebrate species. In addition, in silico predictors for this gene do not accurately predict pathogenicity. Since supporting evidence is limited at this time, the clinical significance of this alteration remains unclear.

GeneDx
Classification: Uncertain significance. Last evaluated: 2016-07-19. Review status: criteria provided, single submitter. Criteria: GeneDx Variant Classification (06012015). Collection method: clinical testing. Allele origin: germline. Affected: yes.
Comment: This variant is denoted APC c.6665C>T at the cDNA level, p.Pro2222Leu (P2222L) at the protein level, and results in the change of a Proline to a Leucine (CCT>CTT). This variant has not, to our knowledge, been published in the literature as pathogenic or benign. APC Pro2222Leu was not observed at a significant allele frequency in the NHLBI Exome Sequencing Project. Since Proline and Leucine differ in some properties, this is considered a semi-conservative amino acid substitution. APC Pro2222Leu occurs at a position that is conserved across species and is located in the basic domain (Azzopardi 2008). In silico analyses predict that this variant is probably damaging to protein structure and function. Based on currently available evidence, it is unclear whether APC Pro2222Leu is a pathogenic or benign variant. We consider it to be a variant of uncertain significance.